The following is an entry in ClinVar:

NM_012210.4(TRIM32):c.821C>G (p.Thr274Ser)

Genes: ASTN2 (astrotactin 2; minus strand), TRIM32 (tripartite motif containing 32; plus strand). Cytogenetic location: 9q33.1.
Variant type: single nucleotide variant.
Coding change: c.821C>G on transcript NM_012210.4 (MANE Select); coding-DNA position 821, C replaced by G.
Protein change: p.Thr274Ser; replaces threonine 274 with serine.
Molecular consequence: missense variant. On other transcripts: intron variant (3).
Genome position (GRCh38, 1-based): chr9:116,698,563, C>G. VCF-style: chr9-116698563-C-G. GRCh37 (hg19) VCF-style: chr9-119460842-C-G.
Other names: c.821C>G, p.Thr274Ser (NM_001099679.2, NM_001379048.1, NM_001379049.1 and 1 more transcripts); c.2653+27208G>C (NM_014010.5); c.2794+27208G>C (NM_001365069.1); c.2806+27208G>C (NM_001365068.1); short protein forms T274S.
Identifiers: ClinVar variation 1032553 (VCV001032553.1), dbSNP rs1861005429, ClinGen allele CA374649936.

ClinVar aggregate classification (germline): Uncertain significance (1 of 4 stars; one submission).

Conditions:
Sarcotubular myopathy (LGMDR8). Also called: Hutterite type of muscular dystrophy; MUSCULAR DYSTROPHY, LIMB-GIRDLE, AUTOSOMAL RECESSIVE 8; Autosomal recessive limb-girdle muscular dystrophy type 2H; Limb-girdle muscular dystrophy, type 2H. Identifiers: Orphanet 1878, MedGen C0270968, MONDO:0009683, OMIM 254110.

Submission:

Baylor Genetics
Classification: Uncertain significance for Sarcotubular myopathy. Last evaluated: 2018-01-25. Review status: criteria provided, single submitter. Criteria: ACMG Guidelines, 2015. Collection method: clinical testing. Allele origin: maternal. Affected: yes.
Comment: This variant was determined to be of uncertain significance according to ACMG Guidelines, 2015 [PMID:25741868].